The following is an entry in ClinVar:

ClinVar aggregate classification (germline): Uncertain significance. Review status: criteria provided, multiple submitters, no conflicts (2 of 4 stars). 11 submissions from 11 submitters: Uncertain significance (9). 2 of the submissions do not count toward it. Last evaluated 2026-08-19.

Conditions:
Autosomal recessive Alport syndrome (ATS2). Also called: ALPORT SYNDROME 2, AUTOSOMAL RECESSIVE; COL4A4 Alport Syndrome and Thin Basement Membrane Nephropathy; Alport syndrome type 2; COL4A3-Related Nephropathy. Identifiers: Orphanet 63, Orphanet 88919, MedGen C4746745, MONDO:0008762, OMIM 203780.
COL4A4-related disorder.
Hematuria, benign familial, 1 (BFH1). Also called: THIN MEMBRANE NEPHROPATHY. Identifiers: MedGen CN376803, MONDO:0007709, OMIM 141200.
Alport syndrome. Also called: Hemorrhagic familial nephritis; Hemorrhagic hereditary nephritis; Congenital hereditary hematuria. Identifiers: Orphanet 63, MedGen C1567741, MONDO:0018965.

Allele frequency attached by ClinVar (database versions not stated): TOPMed 0.00002; ExAC 0.00003; gnomAD exomes 0.00003 and 0.00005.
gnomAD v4.1: 86 of 1,613,934 alleles (0.0053%); highest among the groups gnomAD compares: South Asian, 0.014%; no homozygotes.

Submissions (11):

PreventionGenetics, part of Exact Sciences
Classification: Uncertain significance for COL4A4-related condition. Last evaluated: 2026-08-19. Review status: criteria provided, single submitter. Criteria: ACMG Guidelines, 2015. Collection method: clinical testing. Allele origin: germline.
Comment: The COL4A4 c.4708G>A variant is predicted to result in the amino acid substitution p.Glu1570Lys. This variant was reported in the compound heterozygous state with another pathogenic COL4A4 variant in an individual with Alport syndrome (Drury et al. 2019. PubMed ID: 31408864). This variant was also observed along with COL4A4 exon 17-30 deletion in an individual with focal segmental glomerulosclerosis (Yao et al. 2019. PubMed ID: 30647093). This variant is reported in 0.020% of alleles in individuals of South Asian descent in gnomAD. Although we suspect that this variant may be pathogenic, at this time, the clinical significance of this variant is uncertain due to the absence of conclusive functional and genetic evidence.

CeGaT Center for Human Genetics Tuebingen
Classification: Uncertain significance. Last evaluated: 2026-01-01. Review status: criteria provided, single submitter. Criteria: CeGaT Center For Human Genetics Tuebingen Variant Classification Criteria Version 2. Collection method: clinical testing. Allele origin: germline. Affected: yes. Observed: 2 variant alleles.
Comment: COL4A4: PM2, PM3

Labcorp Genetics (formerly Invitae), Labcorp
Classification: Uncertain significance. Last evaluated: 2024-07-06. Review status: criteria provided, single submitter. Criteria: Invitae Variant Classification Sherloc (09022015). Collection method: clinical testing. Allele origin: germline.
Comment: This sequence change replaces glutamic acid, which is acidic and polar, with lysine, which is basic and polar, at codon 1570 of the COL4A4 protein (p.Glu1570Lys). This variant is present in population databases (rs757328549, gnomAD 0.02%). This missense change has been observed in individual(s) with COL4A4-related conditions (PMID: 30647093). ClinVar contains an entry for this variant (Variation ID: 634650). Advanced modeling of protein sequence and biophysical properties (such as structural, functional, and spatial information, amino acid conservation, physicochemical variation, residue mobility, and thermodynamic stability) has been performed at Invitae for this missense variant, however the output from this modeling did not meet the statistical confidence thresholds required to predict the impact of this variant on COL4A4 protein function. In summary, the available evidence is currently insufficient to determine the role of this variant in disease. Therefore, it has been classified as a Variant of Uncertain Significance.

Fulgent Genetics
Classification: Uncertain significance for Hematuria, benign familial, 1; Autosomal recessive Alport syndrome. Last evaluated: 2024-05-21. Review status: criteria provided, single submitter. Criteria: ACMG Guidelines, 2015. Collection method: clinical testing. Allele origin: germline.

Myriad Genetics, Inc.
Classification: Uncertain significance for Autosomal recessive Alport syndrome. Last evaluated: 2021-11-10. Review status: criteria provided, single submitter. Criteria: Myriad Women's Health Autosomal Recessive and X-Linked Classification Criteria (2021). Collection method: clinical testing. Allele origin: unknown.
Comment: NM_000092.4(COL4A4):c.4708G>A(E1570K) is a missense variant classified as a variant of uncertain significance in the context of COL4A4-related Alport syndrome. E1570K has been observed in cases with relevant disease (PMID: 31408864, Sanchez_2018_(no PMID; abstract)). Functional assessments of this variant are not available in the literature. E1570K has been observed in population frequency databases (gnomAD: SAS 0.02%). In summary, there is insufficient evidence to classify NM_000092.4(COL4A4):c.4708G>A(E1570K) as pathogenic or benign. Please note: this variant was assessed in the context of healthy population screening.

GeneDx
Classification: Uncertain significance. Last evaluated: 2021-06-22. Review status: criteria provided, single submitter. Criteria: GeneDx Variant Classification Process June 2021. Collection method: clinical testing. Allele origin: germline. Affected: yes.
Comment: In silico analysis supports that this missense variant has a deleterious effect on protein structure/function; This variant is associated with the following publications: (PMID: 27535533, 30647093, 31408864)

Blueprint Genetics
Classification: Uncertain significance. Last evaluated: 2020-12-01. Review status: criteria provided, single submitter. Criteria: ACMG Guidelines, 2015. Collection method: clinical testing. Allele origin: germline.

Athena Diagnostics
Classification: Uncertain significance. Last evaluated: 2020-09-01. Review status: criteria provided, single submitter. Criteria: Athena Diagnostics criteria. Collection method: clinical testing. Allele origin: unknown.

Illumina Laboratory Services, Illumina
Classification: Uncertain significance for Alport syndrome. Last evaluated: 2018-01-13. Review status: criteria provided, single submitter. Criteria: ICSL Variant Classification Criteria 13 December 2019. Collection method: clinical testing. Allele origin: germline.

Natera, Inc.
Classification: Uncertain significance for Alport syndrome. Last evaluated: 2020-09-16. Review status: no assertion criteria provided. Collection method: clinical testing. Allele origin: germline. Not counted in ClinVar's aggregate classification.

Division of Nephrology, Beth Israel Deaconess Medical Center
Classification: Likely pathogenic for Autosomal recessive Alport syndrome. Review status: no assertion criteria provided. Collection method: provider interpretation. Allele origin: unknown. Affected: yes. Observed: 1 compound heterozygote. Not counted in ClinVar's aggregate classification.
Comment: This case manuscript is under revision for publication.

Literature cited by the submitters: PubMed 30647093 (cited by Labcorp Genetics (formerly Invitae), Labcorp and Athena Diagnostics); PubMed 31408864 (cited by Myriad Genetics, Inc. and Athena Diagnostics).

NM_000092.5(COL4A4):c.4708G>A (p.Glu1570Lys)

Gene: COL4A4 (collagen type IV alpha 4 chain; minus strand). Cytogenetic location: 2q36.3.
Variant type: single nucleotide variant.
Coding change: c.4708G>A on transcript NM_000092.5 (MANE Select); coding-DNA position 4708, G replaced by A.
Protein change: p.Glu1570Lys; replaces glutamic acid 1570 with lysine.
Molecular consequence: missense variant.
Genome position (GRCh38, 1-based): chr2:227,008,119, C>T on the plus strand (G>A on the coding strand, the complement: COL4A4 is on the minus strand). VCF-style: chr2-227008119-C-T. GRCh37 (hg19) VCF-style: chr2-227872835-C-T.
Other names: short protein forms E1570K.
Identifiers: ClinVar variation 634650 (VCV000634650.29), dbSNP rs757328549, ClinGen allele CA2144088.